The following is an entry in ClinVar:

ClinVar aggregate classification (germline): Pathogenic. Review status: criteria provided, multiple submitters, no conflicts (2 of 4 stars). 2 submissions from 2 submitters: Pathogenic (2). Last evaluated 2025-10-21.

Conditions:
Aniridia 1 (AN1). Identifiers: Orphanet 250923, MedGen C0344542, MONDO:0024507, OMIM 106210.
Irido-corneo-trabecular dysgenesis (ASGD5). Also called: ANTERIOR SEGMENT DYSGENESIS 5. Identifiers: Orphanet 708, MedGen C0344559, MONDO:0011414, OMIM 604229, HP:0000659.

Submissions (2):

Labcorp Genetics (formerly Invitae), Labcorp
Classification: Pathogenic for Aniridia 1; Irido-corneo-trabecular dysgenesis. Last evaluated: 2025-10-21. Review status: criteria provided, single submitter. Criteria: Invitae Variant Classification Sherloc (09022015). Collection method: clinical testing. Allele origin: germline.
Comment: This sequence change creates a premature translational stop signal (p.Arg105*) in the PAX6 gene. It is expected to result in an absent or disrupted protein product. Loss-of-function variants in PAX6 are known to be pathogenic (PMID: 12634864). This variant is not present in population databases (gnomAD no frequency). This variant has not been reported in the literature in individuals affected with PAX6-related conditions. ClinVar contains an entry for this variant (Variation ID: 3383182). For these reasons, this variant has been classified as Pathogenic.

Juno Genomics, Hangzhou Juno Genomics, Inc
Classification: Pathogenic for Aniridia 1. Review status: criteria provided, single submitter. Criteria: ACMG Guidelines, 2015. Collection method: clinical testing. Allele origin: germline. Affected: yes.
Comment: Absent from controls (or at extremely low frequency if recessive) in Genome Aggregation Database, Exome Sequencing Project, 1000 Genomes Project, or Exome Aggregation Consortium.;Null variant in a gene where loss of function (LOF) is a known mechanism of disease.;Patient's phenotype or family history is highly specific for a disease with a single genetic etiology.

Literature cited by the submitters: PubMed 12634864 (cited by Labcorp Genetics (formerly Invitae), Labcorp).

NM_001368894.2(PAX6):c.355A>T (p.Arg119Ter)

Gene: PAX6 (paired box 6; minus strand). Cytogenetic location: 11p13.
Variant type: single nucleotide variant.
Coding change: c.355A>T on transcript NM_001368894.2 (MANE Select); coding-DNA position 355, A replaced by T.
Protein change: p.Arg119Ter; replaces arginine 119 with a stop codon.
Molecular consequence: nonsense. On other transcripts: 5 prime UTR variant (14), non-coding transcript variant (2), intron variant (8).
Genome position (GRCh38, 1-based): chr11:31,801,605, T>A on the plus strand (A>T on the coding strand, the complement: PAX6 is on the minus strand). VCF-style: chr11-31801605-T-A. GRCh37 (hg19) VCF-style: chr11-31823153-T-A.
Other names: c.313A>T, p.Arg105Ter (NM_000280.6, NM_001127612.3, NM_001258464.2 and 10 more transcripts); c.355A>T, p.Arg119Ter (NM_001258462.3, NM_001258463.2, NM_001310158.2 and 6 more transcripts); c.-427A>T (NM_001310160.2, NM_001368902.2, NM_001368905.2); c.-96A>T (NM_001310161.3, NM_001368899.2, NM_001368900.2 and 8 more transcripts); c.556A>T, p.Arg186Ter (NM_001368910.2); c.358A>T, p.Arg120Ter (NM_001368911.2); c.430A>T, p.Arg144Ter (NM_001368918.2, NM_001368919.2); c.388A>T, p.Arg130Ter (NM_001368920.2); and 2 more; short protein forms R105*, R119*, R120*, R130*, R144*, R186*.
Identifiers: ClinVar variation 3383182 (VCV003383182.3).